The following is an entry in ClinVar:

NC_000023.10:g.(135252140_135288565)_(135293514_?)dup

Gene: FHL1 (four and a half LIM domains 1; plus strand). Cytogenetic location: Xq26.3.
Variant type: Duplication.
Identifiers: ClinVar variation 4848880 (VCV004848880.1).

ClinVar aggregate classification (germline): Uncertain significance (1 of 4 stars; one submission).

Submission:

Women's Health and Genetics/Laboratory Corporation of America, LabCorp
Classification: Uncertain significance. Last evaluated: 2026-04-06. Review status: criteria provided, single submitter. Criteria: LabCorp Variant Classification Summary - May 2015. Collection method: clinical testing. Allele origin: germline.
Comment: Variant summary: The variant involves the duplication of exons 3-8 in the FHL1 gene. A presumed nomenclature of c.(-27+1_-26-1)_(*1401_?)dup has been designated for the purposes of this classification. This duplication includes the entire coding sequence of the gene. As exact breakpoints are unknown, it may extend beyond the annotated region of the gene, to include other flanking genes. The variant was absent in 16111 control chromosomes. The available data on variant occurrences in the general population are insufficient to allow any conclusion about variant significance. To our knowledge, no occurrence of similar CNVs in individuals affected with FHL1-related conditions and no experimental evidence demonstrating impact on protein function have been reported. ClinVar contains an entry for a similar CNV (Variation ID: 644267). Based on the evidence outlined above, the variant was classified as uncertain significance.